The following is an entry in ClinVar:

ClinVar aggregate classification (germline): Likely pathogenic. Review status: criteria provided, multiple submitters, no conflicts (2 of 4 stars). 2 submissions from 2 submitters: Likely pathogenic (2). Last evaluated 2024-11-29.

Conditions:
Hypohidrotic X-linked ectodermal dysplasia (XHED). Also called: ECTODERMAL DYSPLASIA, HYPOHIDROTIC, 1; CST SYNDROME; Ectodermal Dysplasia 1, Anhidrotic; Anhidrotic ectodermal dysplasia X-linked; Christ Siemens Touraine syndrome; ECTODERMAL DYSPLASIA 1. Identifiers: Orphanet 181, Orphanet 238468, MedGen C0162359, MONDO:0010585, OMIM 305100.

Allele frequency attached by ClinVar (database versions not stated): gnomAD 0.00001; TOPMed 0.00001.
gnomAD v4.1: 2 of 1,207,559 alleles (0.00017%); highest among the groups gnomAD compares: Non-Finnish European, 0.00022%; no homozygotes.

Submissions (2):

Victorian Clinical Genetics Services, Murdoch Childrens Research Institute
Classification: Likely pathogenic for Hypohidrotic X-linked ectodermal dysplasia. Last evaluated: 2024-11-29. Review status: criteria provided, single submitter. Criteria: ACMG Guidelines, 2015. Collection method: clinical testing. Allele origin: germline.
Comment: This variant is classified as Likely pathogenic. Evidence in support of pathogenic classification: Variant is present in gnomAD <0.01 for a recessive condition (v4: 2 heterozygote(s), 0 homozygote(s), 0 hemizygote(s)); Other missense variant(s) comparable to the one identified in this case have very strong previous evidence for pathogenicity. p.(Ala349Thr) has been classified as pathogenic in ClinVar. p.(Ala349Thr) and p.(Ala349Val) have been observed in multiple unrelated heterozygous females and hemizygous males with ectodermal dysplasia (PMID: 36291989, 39408781, 34863015, 33622384, 32176048, 38129747); Missense variant consistently predicted to be damaging by in silico tool or highly conserved with a major amino acid change. Additional information: Variant is predicted to result in a missense amino acid change from alanine to serine; This variant is heterozygous; This gene is associated with both X-linked recessive and dominant disease. Female carriers of variants causing either condition may be unaffected or mildly affected, depending on skewed X-inactivation (PMID: 18510547, 16583127); An alternative amino acid change at the same position has been observed in gnomAD (v4: 1 heterozygote(s), 0 homozygote(s), 0 hemizygote(s)); Previous evidence of pathogenicity for this variant is inconclusive. This variant has been classified as likely pathogenic by Invitae in ClinVar, however they have observed this variant in three females and one male undergoing carrier screening (personal communication); No published segregation evidence has been identified for this variant; No published functional evidence has been identified for this variant; Variant is located in the annotated tumour necrosis factor family domain (DECIPHER); Loss of function is a known mechanism of disease in this gene and is associated with X-linked recessive ectodermal dysplasia 1, hypohidrotic (HED; MIM#305100) and X-linked dominant tooth agenesis, selective 1 (TA; MIM#313500).

Labcorp Genetics (formerly Invitae), Labcorp
Classification: Likely pathogenic for Hypohidrotic X-linked ectodermal dysplasia. Last evaluated: 2023-05-18. Review status: criteria provided, single submitter. Criteria: Invitae Variant Classification Sherloc (09022015). Collection method: clinical testing. Allele origin: germline.
Comment: In summary, the currently available evidence indicates that the variant is pathogenic, but additional data are needed to prove that conclusively. Therefore, this variant has been classified as Likely Pathogenic. This variant disrupts the p.Ala349 amino acid residue in EDA. Other variant(s) that disrupt this residue have been determined to be pathogenic (PMID: 9683615, 15461765). This suggests that this residue is clinically significant, and that variants that disrupt this residue are likely to be disease-causing. Advanced modeling of protein sequence and biophysical properties (such as structural, functional, and spatial information, amino acid conservation, physicochemical variation, residue mobility, and thermodynamic stability) performed at Invitae indicates that this missense variant is expected to disrupt EDA protein function. ClinVar contains an entry for this variant (Variation ID: 1470331). This variant has not been reported in the literature in individuals affected with EDA-related conditions. This variant is not present in population databases (gnomAD no frequency). This sequence change replaces alanine, which is neutral and non-polar, with serine, which is neutral and polar, at codon 349 of the EDA protein (p.Ala349Ser).

Literature cited by the submitters: PubMed 16583127 (cited by Victorian Clinical Genetics Services, Murdoch Childrens Research Institute); PubMed 18510547 (cited by Victorian Clinical Genetics Services, Murdoch Childrens Research Institute); PubMed 9683615 (cited by Labcorp Genetics (formerly Invitae), Labcorp); PubMed 15461765 (cited by Labcorp Genetics (formerly Invitae), Labcorp).

NM_001399.5(EDA):c.1045G>T (p.Ala349Ser)

Gene: EDA (ectodysplasin A; plus strand). Cytogenetic location: Xq13.1.
Variant type: single nucleotide variant.
Coding change: c.1045G>T on transcript NM_001399.5 (MANE Select); coding-DNA position 1045, G replaced by T.
Protein change: p.Ala349Ser; replaces alanine 349 with serine.
Molecular consequence: missense variant.
Genome position (GRCh38, 1-based): chrX:70,035,478, G>T. VCF-style: chrX-70035478-G-T. GRCh37 (hg19) VCF-style: chrX-69255328-G-T.
Other names: c.1039G>T, p.Ala347Ser (NM_001005609.2); c.1030G>T, p.Ala344Ser (NM_001005612.3); short protein forms A349S, A347S, A344S.
Identifiers: ClinVar variation 1470331 (VCV001470331.8), dbSNP rs132630317, ClinGen allele CA330952728.